The following is an entry in ClinVar:

ClinVar aggregate classification (germline): Conflicting classifications of pathogenicity. Review status: criteria provided, conflicting classifications (1 of 4 stars). 4 submissions from 4 submitters: Uncertain significance (3); Benign (1). Last evaluated 2026-01-18.

Conditions:
Arrhythmogenic right ventricular dysplasia 8 (ARVD8). Also called: Arrhythmogenic Right Ventricular Dysplasia/Cardiomyopathy 8; ARRHYTHMOGENIC RIGHT VENTRICULAR DYSPLASIA, FAMILIAL, 8; ARRHYTHMOGENIC RIGHT VENTRICULAR CARDIOMYOPATHY 8. Identifiers: MedGen C1843896, MONDO:0011831, OMIM 607450.
Arrhythmogenic cardiomyopathy with wooly hair and keratoderma. Also called: PALMOPLANTAR KERATODERMA WITH LEFT VENTRICULAR CARDIOMYOPATHY AND WOOLLY HAIR; Carvajal syndrome; Dilated cardiomyopathy with woolly hair and keratoderma; Arrhythmogenic cardiomyopathy with woolly hair and keratoderma. Identifiers: Orphanet 65282, MedGen C1854063, MONDO:0011581, OMIM 605676.
Cardiomyopathy (CMYO). Also called: Cardiomyopathies. Identifiers: Orphanet 167848, MedGen C0878544, MONDO:0004994, HP:0001638. Inheritance: Various modes of inheritance.
Cardiovascular phenotype. Identifiers: MedGen CN230736.
Woolly hair-skin fragility syndrome (WHSF). Identifiers: Orphanet 293165, MedGen C1843292, MONDO:0957307, OMIM 620415.
Cardiomyopathy, dilated, with wooly hair, keratoderma, and tooth agenesis. Also called: Cardiomyopathy, dilated, with woolly hair, keratoderma, and tooth agenesis; Erythrokeratodermia-cardiomyopathy syndrome. Identifiers: Orphanet 476096, Orphanet 65282, MedGen C4014393, MONDO:0014355, OMIM 615821.
Lethal acantholytic epidermolysis bullosa (EBLA). Identifiers: Orphanet 158687, MedGen C1864826, MONDO:0012323, OMIM 609638.
Keratosis palmoplantaris striata 2. Also called: KERATODERMA, PALMOPLANTAR, STRIATE FORM II; STRIATE PALMOPLANTAR KERATODERMA II; Keratosis palmoplantaris striata II. Identifiers: MedGen C1852127, MONDO:0013034, OMIM 612908.

Allele frequency attached by ClinVar (database versions not stated): gnomAD exomes below 0.00001 and 0.00002; ExAC 0.00001; TOPMed 0.00005; gnomAD 0.00006; ESP Exome Variant Server 0.00008.
gnomAD v4.1: 13 of 1,613,910 alleles (0.00081%); highest among the groups gnomAD compares: African/African-American, 0.016%; no homozygotes.

Submissions (4):

Labcorp Genetics (formerly Invitae), Labcorp
Classification: Benign for Arrhythmogenic cardiomyopathy with wooly hair and keratoderma; Arrhythmogenic right ventricular dysplasia 8. Last evaluated: 2026-01-18. Review status: criteria provided, single submitter. Criteria: Invitae Variant Classification Sherloc (09022015). Collection method: clinical testing. Allele origin: germline.

Ambry Genetics
Classification: Uncertain significance for Cardiovascular phenotype. Last evaluated: 2024-03-27. Review status: criteria provided, single submitter. Criteria: Ambry Variant Classification Scheme 2023. Collection method: clinical testing. Allele origin: germline.
Comment: The p.N2171D variant (also known as c.6511A>G), located in coding exon 24 of the DSP gene, results from an A to G substitution at nucleotide position 6511. The asparagine at codon 2171 is replaced by aspartic acid, an amino acid with highly similar properties. This amino acid position is not well conserved in available vertebrate species. In addition, this alteration is predicted to be tolerated by in silico analysis. Since supporting evidence is limited at this time, the clinical significance of this alteration remains unclear.

Color Diagnostics, LLC DBA Color Health
Classification: Uncertain significance for Cardiomyopathy. Last evaluated: 2024-03-06. Review status: criteria provided, single submitter. Criteria: ACMG Guidelines, 2015. Collection method: clinical testing. Allele origin: germline.
Comment: This missense variant replaces asparagine with aspartic acid at codon 2171 of the DSP protein. Computational prediction suggests that this variant may not impact protein structure and function (internally defined REVEL score threshold <= 0.5, PMID: 27666373). To our knowledge, functional studies have not been reported for this variant. This variant has not been reported in individuals affected with cardiovascular disorders in the literature. This variant has been identified in 5/282848 chromosomes in the general population by the Genome Aggregation Database (gnomAD). The available evidence is insufficient to determine the role of this variant in disease conclusively. Therefore, this variant is classified as a Variant of Uncertain Significance.

Fulgent Genetics
Classification: Uncertain significance for Arrhythmogenic cardiomyopathy with wooly hair and keratoderma; Arrhythmogenic right ventricular dysplasia 8; Lethal acantholytic epidermolysis bullosa; Keratosis palmoplantaris striata 2; Cardiomyopathy, dilated, with wooly hair, keratoderma, and tooth agenesis. Last evaluated: 2021-09-15. Review status: criteria provided, single submitter. Criteria: ACMG Guidelines, 2015. Collection method: clinical testing. Allele origin: unknown.

NM_004415.4(DSP):c.6511A>G (p.Asn2171Asp)

Gene: DSP (desmoplakin; plus strand). Cytogenetic location: 6p24.3.
Variant type: single nucleotide variant.
Coding change: c.6511A>G on transcript NM_004415.4 (MANE Select); coding-DNA position 6511, A replaced by G.
Protein change: p.Asn2171Asp; replaces asparagine 2171 with aspartic acid.
Molecular consequence: missense variant.
Genome position (GRCh38, 1-based): chr6:7,583,773, A>G. VCF-style: chr6-7583773-A-G. GRCh37 (hg19) VCF-style: chr6-7584006-A-G.
Other names: c.4714A>G, p.Asn1572Asp (NM_001008844.3); c.5182A>G, p.Asn1728Asp (NM_001319034.2); short protein forms N1728D, N2171D, N1572D.
Identifiers: ClinVar variation 922374 (VCV000922374.17), dbSNP rs149827779, ClinGen allele CA047878.